The following is an entry in ClinVar:

ClinVar aggregate classification (germline): Likely pathogenic. Review status: criteria provided, multiple submitters, no conflicts (2 of 4 stars). 2 submissions from 2 submitters: Likely pathogenic (2). Last evaluated 2024-06-10.

Conditions:
Juvenile retinoschisis (RS1). Also called: X-linked retinoschisis; X-Linked Juvenile Retinoschisis. Identifiers: Orphanet 792, MedGen C3714753, MONDO:0010725, OMIM 312700.
RS1-related disorder. Also called: RS1-related condition.

Submissions (2):

North West Genomic Laboratory Hub, Manchester University NHS Foundation Trust
Classification: Likely pathogenic for Juvenile retinoschisis. Last evaluated: 2024-06-10. Review status: criteria provided, single submitter. Criteria: ACGS Best Practice Guidelines for Variant Classification in Rare Disease 2020. Collection method: clinical testing. Allele origin: germline. Affected: yes.
Comment: PM4_Supp PP4_Supp PP1_Supp PM2_Mod PS4_Mod

Blueprint Genetics
Classification: Likely pathogenic for RS1-related disorders. Last evaluated: 2023-11-13. Review status: criteria provided, single submitter. Criteria: ACMG Guidelines, 2015. Collection method: clinical testing. Allele origin: germline. Affected: yes. Observed: 4 variant alleles.

NM_000330.4(RS1):c.493TAC[1] (p.Tyr166del)

Genes: CDKL5 (cyclin dependent kinase like 5; plus strand), RS1 (retinoschisin 1; minus strand). Cytogenetic location: Xp22.13.
Variant type: Microsatellite.
Coding change: c.493TAC[1] on transcript NM_000330.4 (MANE Select); one copy of the 3-base unit TAC starting at c.493; the reference has two copies in a row; one copy, 3 bases deleted.
Protein change: p.Tyr166del; deletes tyrosine 166.
Molecular consequence: inframe deletion. On other transcripts: intron variant (2).
Genome position (GRCh38, 1-based): chrX:18,644,454-18,644,456, GTA deleted on the plus strand (TAC on the coding strand, the reverse complement: RS1 is on the minus strand); deleting any 3 consecutive bases within chrX:18,644,454-18,644,459 gives the same sequence; the position shown is the placement nearest the transcript's 3' end. VCF-style (leftmost placement, unchanged base first): chrX-18644453-TGTA-T. GRCh37 (hg19) VCF-style: chrX-18662573-TGTA-T.
Other names: c.2714-1550_2714-1548del (NM_003159.3, NM_001037343.2); short protein forms Y166del.
Identifiers: ClinVar variation 4526911 (VCV004526911.2).